The following is an entry in ClinVar:

NM_001101362.3(KBTBD13):c.742C>A (p.Arg248Ser)

Gene: KBTBD13 (kelch repeat and BTB domain containing 13; plus strand). Cytogenetic location: 15q22.31.
Variant type: single nucleotide variant.
Coding change: c.742C>A on transcript NM_001101362.3 (MANE Select); coding-DNA position 742, C replaced by A.
Protein change: p.Arg248Ser; replaces arginine 248 with serine.
Molecular consequence: missense variant.
Genome position (GRCh38, 1-based): chr15:65,077,557, C>A. VCF-style: chr15-65077557-C-A. GRCh37 (hg19) VCF-style: chr15-65369895-C-A.
Other names: c.742C>A (NM_001101362.2); short protein forms R248S.
Identifiers: ClinVar variation 31063 (VCV000031063.8), dbSNP rs200549195, ClinGen allele CA259983.

ClinVar aggregate classification (germline): Uncertain significance. Review status: criteria provided, multiple submitters, no conflicts (2 of 4 stars). 4 submissions from 4 submitters: Uncertain significance (3). 1 of the submissions does not count toward it. Last evaluated 2023-11-18.

Conditions:
Nemaline myopathy 6 (NEM6). Also called: Nemaline myopathy 6, autosomal dominant. Identifiers: Orphanet 171439, MedGen C1836472, MONDO:0012237, OMIM 609273.

Submissions (4):

Labcorp Genetics (formerly Invitae), Labcorp
Classification: Uncertain significance for Nemaline myopathy 6. Last evaluated: 2023-11-18. Review status: criteria provided, single submitter. Criteria: Invitae Variant Classification Sherloc (09022015). Collection method: clinical testing. Allele origin: germline.
Comment: This sequence change replaces arginine, which is basic and polar, with serine, which is neutral and polar, at codon 248 of the KBTBD13 protein (p.Arg248Ser). The frequency data for this variant in the population databases is considered unreliable, as metrics indicate poor data quality at this position in the gnomAD database. This missense change has been observed in individual(s) with clinical features of nemaline myopathy (PMID: 21109227). ClinVar contains an entry for this variant (Variation ID: 31063). Advanced modeling of protein sequence and biophysical properties (such as structural, functional, and spatial information, amino acid conservation, physicochemical variation, residue mobility, and thermodynamic stability) performed at Invitae indicates that this missense variant is expected to disrupt KBTBD13 protein function with a positive predictive value of 80%. In summary, the available evidence is currently insufficient to determine the role of this variant in disease. Therefore, it has been classified as a Variant of Uncertain Significance.

Molecular Genetics, Royal Melbourne Hospital
Classification: Uncertain significance for Nemaline myopathy 6. Last evaluated: 2023-08-01. Review status: criteria provided, single submitter. Criteria: ACMG Guidelines, 2015. Collection method: clinical testing. Allele origin: germline. Inheritance: Autosomal dominant inheritance.

Women's Health and Genetics/Laboratory Corporation of America, LabCorp
Classification: Uncertain significance. Last evaluated: 2023-06-16. Review status: criteria provided, single submitter. Criteria: LabCorp Variant Classification Summary - May 2015. Collection method: clinical testing. Allele origin: germline.
Comment: Variant summary: KBTBD13 c.742C>A (p.Arg248Ser) results in a non-conservative amino acid change located in the Kelch-type beta propeller domain (IPR015915) of the encoded protein sequence. Five of five in-silico tools predict a damaging effect of the variant on protein function. The variant allele was found at a frequency of 2e-05 in 153572 control chromosomes in GnomAD. The available data on variant occurrences in the general population are insufficient to allow any conclusion about variant significance. c.742C>A has been reported in the literature in an individual affected with features of Nemaline Myopathy 6 (Sambuughin_2010). These data do not allow any conclusion about variant significance. To our knowledge, no experimental evidence demonstrating an impact on protein function has been reported. The following publication have been ascertained in the context of this evaluation (PMID: 21109227). No clinical diagnostic laboratories have submitted clinical-significance assessments for this variant to ClinVar after 2014. Based on the evidence outlined above, the variant was classified as uncertain significance.

OMIM
Classification: Pathogenic for NEMALINE MYOPATHY 6. Last evaluated: 2010-12-10. Review status: no assertion criteria provided. Collection method: literature only. Allele origin: germline. Not counted in ClinVar's aggregate classification.

Literature cited by the submitters: PubMed 21109227 (cited by 3 submitters).